The following is an entry in ClinVar:

ClinVar aggregate classification (germline): Uncertain significance. Review status: criteria provided, multiple submitters, no conflicts (2 of 4 stars). 2 submissions from 2 submitters: Uncertain significance (2). Last evaluated 2025-12-29.

Conditions:
Inborn genetic diseases. Identifiers: MedGen C0950123, MeSH D030342.

Submissions (2):

Labcorp Genetics (formerly Invitae), Labcorp
Classification: Uncertain significance. Last evaluated: 2025-12-29. Review status: criteria provided, single submitter. Criteria: Invitae Variant Classification Sherloc (09022015). Collection method: clinical testing. Allele origin: germline.
Comment: This sequence change replaces histidine, which is basic and polar, with leucine, which is neutral and non-polar, at codon 136 of the RIPK1 protein (p.His136Leu). This variant is not present in population databases (gnomAD no frequency). This variant has not been reported in the literature in individuals affected with RIPK1-related conditions. An algorithm developed to predict the effect of missense changes on protein structure and function (PolyPhen-2) suggests that this variant is likely to be disruptive. In summary, the available evidence is currently insufficient to determine the role of this variant in disease. Therefore, it has been classified as a Variant of Uncertain Significance.

Ambry Genetics
Classification: Uncertain significance for Inborn genetic diseases. Last evaluated: 2025-11-20. Review status: criteria provided, single submitter. Criteria: Ambry Variant Classification Scheme 2023. Collection method: clinical testing. Allele origin: germline.

NM_001354930.2(RIPK1):c.407A>T (p.His136Leu)

Gene: RIPK1 (receptor interacting serine/threonine kinase 1; plus strand). Cytogenetic location: 6p25.2.
Variant type: single nucleotide variant.
Coding change: c.407A>T on transcript NM_001354930.2 (MANE Select); coding-DNA position 407, A replaced by T.
Protein change: p.His136Leu; replaces histidine 136 with leucine.
Molecular consequence: missense variant. On other transcripts: 5 prime UTR variant (4), intron variant (1).
Genome position (GRCh38, 1-based): chr6:3,081,064, A>T. VCF-style: chr6-3081064-A-T. GRCh37 (hg19) VCF-style: chr6-3081298-A-T.
Other names: c.-197A>T (NM_001317061.3, NM_001354932.2, NM_001354933.2 and 1 more transcripts); c.407A>T, p.His136Leu (NM_003804.6); c.322-2021A>T (NM_001354931.2); short protein forms H136L.
Identifiers: ClinVar variation 4629188 (VCV004629188.2).